The following is an entry in ClinVar:

ClinVar aggregate classification (germline): Benign (1 of 4 stars; one submission).

Conditions:
Thrombocytopenia 2 (THC2). Also called: ANKRD26-Related Thrombocytopenia. Identifiers: Orphanet 268322, MedGen C1861185, MONDO:0008555, OMIM 188000.

Allele frequency attached by ClinVar (database versions not stated): 1000 Genomes Project 0.00060; 1000 Genomes Project 30x 0.00078; gnomAD 0.00094 and 0.00096; TOPMed 0.00102.

Submission:

Illumina Laboratory Services, Illumina
Classification: Benign for Thrombocytopenia 2. Last evaluated: 2018-01-13. Review status: criteria provided, single submitter. Criteria: ICSL Variant Classification Criteria 13 December 2019. Collection method: clinical testing. Allele origin: germline.
Comment: This variant was observed in the ICSL laboratory as part of a predisposition screen in an ostensibly healthy population. It had not been previously curated by ICSL or reported in the Human Gene Mutation Database (HGMD: prior to June 1st, 2018), and was therefore a candidate for classification through an automated scoring system. Utilizing variant allele frequency, disease prevalence and penetrance estimates, and inheritance mode, an automated score was calculated to assess if this variant is too frequent to cause the disease. Based on the score and internal cut-off values, a variant classified as benign is not then subjected to further curation. The score for this variant resulted in a classification of benign for this disease.

NM_014915.3(ANKRD26):c.*1012C>A

Gene: ANKRD26 (ankyrin repeat domain 26; minus strand). Cytogenetic location: 10p12.1.
Variant type: single nucleotide variant.
Coding change: c.*1012C>A on transcript NM_014915.3 (MANE Select); 1012 bases downstream of the stop codon, C replaced by A.
Molecular consequence: 3 prime UTR variant.
Genome position (GRCh38, 1-based): chr10:27,004,578, G>T on the plus strand (C>A on the coding strand, the complement: ANKRD26 is on the minus strand). VCF-style: chr10-27004578-G-T. GRCh37 (hg19) VCF-style: chr10-27293507-G-T.
Other names: c.*1012C>A (NM_001256053.2).
Identifiers: ClinVar variation 299716 (VCV000299716.5), dbSNP rs540664871, ClinGen allele CA10635538.